The following is an entry in ClinVar:

ClinVar aggregate classification (germline): Uncertain significance. Review status: criteria provided, multiple submitters, no conflicts (2 of 4 stars). 2 submissions from 2 submitters: Uncertain significance (2). Last evaluated 2026-05-11.

Conditions:
Marfan syndrome (MFS). Also called: MARFAN SYNDROME, TYPE I; Marfan syndrome type 1; Marfan's syndrome; Marfan syndrome, classic; FBN1-Related Marfan Syndrome. Identifiers: Orphanet 284963, Orphanet 558, MedGen C0024796, MONDO:0007947, OMIM 154700.
Familial thoracic aortic aneurysm and aortic dissection (TAAD). Also called: Thoracic aortic aneurysms and dissections. Identifiers: Orphanet 91387, MedGen C4707243, MONDO:0019625.

Submissions (2):

Women's Health and Genetics/Laboratory Corporation of America, LabCorp
Classification: Uncertain significance. Last evaluated: 2026-05-11. Review status: criteria provided, single submitter. Criteria: LabCorp Variant Classification Summary - May 2015. Collection method: clinical testing. Allele origin: germline.
Comment: Variant summary: FBN1 c.6184T>G (p.Tyr2062Asp) results in a non-conservative amino acid change in the encoded protein sequence. Algorithms developed to predict the effect of missense changes on protein structure and function all suggest that this variant is likely to be disruptive. The variant was absent in 251132 control chromosomes. The available data on variant occurrences in the general population are insufficient to allow any conclusion about variant significance. To our knowledge, no occurrence of c.6184T>G in individuals affected with FBN1-related conditions and no experimental evidence demonstrating its impact on protein function have been reported. ClinVar contains an entry for this variant (Variation ID: 3754055). Based on the evidence outlined above, the variant was classified as uncertain significance.

Labcorp Genetics (formerly Invitae), Labcorp
Classification: Uncertain significance for Marfan syndrome; Familial thoracic aortic aneurysm and aortic dissection. Last evaluated: 2024-09-23. Review status: criteria provided, single submitter. Criteria: Invitae Variant Classification Sherloc (09022015). Collection method: clinical testing. Allele origin: germline.
Comment: This sequence change replaces tyrosine, which is neutral and polar, with aspartic acid, which is acidic and polar, at codon 2062 of the FBN1 protein (p.Tyr2062Asp). This variant is not present in population databases (gnomAD no frequency). This variant has not been reported in the literature in individuals affected with FBN1-related conditions. Invitae Evidence Modeling of protein sequence and biophysical properties (such as structural, functional, and spatial information, amino acid conservation, physicochemical variation, residue mobility, and thermodynamic stability) indicates that this missense variant is expected to disrupt FBN1 protein function with a positive predictive value of 95%. In summary, the available evidence is currently insufficient to determine the role of this variant in disease. Therefore, it has been classified as a Variant of Uncertain Significance.

NM_000138.5(FBN1):c.6184T>G (p.Tyr2062Asp)

Gene: FBN1 (fibrillin 1; minus strand). Cytogenetic location: 15q21.1.
Variant type: single nucleotide variant.
Coding change: c.6184T>G on transcript NM_000138.5 (MANE Select); coding-DNA position 6184, T replaced by G.
Protein change: p.Tyr2062Asp; replaces tyrosine 2062 with aspartic acid.
Molecular consequence: missense variant.
Genome position (GRCh38, 1-based): chr15:48,437,897, A>C on the plus strand (T>G on the coding strand, the complement: FBN1 is on the minus strand). VCF-style: chr15-48437897-A-C. GRCh37 (hg19) VCF-style: chr15-48730094-A-C.
Other names: c.6184T>G, p.Tyr2062Asp (NM_001406716.1); short protein forms Y2062D.
Identifiers: ClinVar variation 3754055 (VCV003754055.3).